The following is an entry in ClinVar:

ClinVar aggregate classification (germline): Uncertain significance (1 of 4 stars; one submission).

Allele frequency attached by ClinVar (database versions not stated): gnomAD exomes below 0.00001.
gnomAD v4.1: 1 of 1,211,802 alleles (0.000083%); highest among the groups gnomAD compares: Non-Finnish European, 0.00011%; no homozygotes.

Submission:

GeneDx
Classification: Uncertain significance. Last evaluated: 2022-06-10. Review status: criteria provided, single submitter. Criteria: GeneDx Variant Classification Process June 2021. Collection method: clinical testing. Allele origin: germline. Affected: yes.
Comment: Not observed at significant frequency in large population cohorts (gnomAD); In silico analysis supports that this missense variant has a deleterious effect on protein structure/function; Has not been previously published as pathogenic or benign to our knowledge

NM_001183.6(ATP6AP1):c.604G>T (p.Val202Phe)

Gene: ATP6AP1 (ATPase H+ transporting accessory protein 1; plus strand). Cytogenetic location: Xq28.
Variant type: single nucleotide variant.
Coding change: c.604G>T on transcript NM_001183.6 (MANE Select); coding-DNA position 604, G replaced by T.
Protein change: p.Val202Phe; replaces valine 202 with phenylalanine.
Molecular consequence: missense variant.
Genome position (GRCh38, 1-based): chrX:154,433,640, G>T. VCF-style: chrX-154433640-G-T. GRCh37 (hg19) VCF-style: chrX-153661986-G-T.
Other names: short protein forms V202F.
Identifiers: ClinVar variation 1803363 (VCV001803363.1), dbSNP rs2523019357, ClinGen allele CA415190662.
Genomic context (GRCh38, chrX:154,433,640, plus strand): 5'-TCTTTATGCAGGGTGCCTGGTGACCTGAGTCTCTGCTCTCCTTGTTGACCCTCAGATGAG[G>T]TCATCGGGCAGGTCCTGAGCACACTCAAGTCCGAAGATGTCCCATACACAGCGGCCCTCA-3'
Protein context (NP_001174.2, residues 192-212): PREVLTGNDE[Val202Phe]IGQVLSTLKS